The following is an entry in ClinVar:

ClinVar aggregate classification (germline): Uncertain significance (1 of 4 stars; one submission).

Conditions:
Malignant hyperthermia, susceptibility to, 1 (MHS1). Also called: RYR1-Related Malignant Hyperthermia Susceptibility; Malignant hyperthermia suceptibility 1; Anesthesia related hyperthermia; Malignant hyperpyrexia; Fulminating hyperpyrexia; Pharmacogenic myopathy. Identifiers: Orphanet 423, MedGen C2930980, MONDO:0007783, OMIM 145600.

gnomAD v4.1: 3 of 1,601,648 alleles (0.00019%); highest among the groups gnomAD compares: Non-Finnish European, 0.00025%; no homozygotes.

Submission:

Color Diagnostics, LLC DBA Color Health
Classification: Uncertain significance for Malignant hyperthermia, susceptibility to, 1. Last evaluated: 2023-12-06. Review status: criteria provided, single submitter. Criteria: ACMG Guidelines, 2015. Collection method: clinical testing. Allele origin: germline.
Comment: This missense variant replaces arginine with leucine at codon 2369 of the RYR1 protein. Computational prediction suggests that this variant may have deleterious impact on protein structure and function. To our knowledge, functional studies have not been reported for this variant. This variant has not been reported in individuals affected with RYR1-related disorders in the literature. This variant has not been identified in the general population by the Genome Aggregation Database (gnomAD). The available evidence is insufficient to determine the role of this variant in disease conclusively. Therefore, this variant is classified as a Variant of Uncertain Significance.

NM_000540.3(RYR1):c.7106G>T (p.Arg2369Leu)

Gene: RYR1 (ryanodine receptor 1; plus strand). Cytogenetic location: 19q13.2.
Variant type: single nucleotide variant.
Coding change: c.7106G>T on transcript NM_000540.3 (MANE Select); coding-DNA position 7106, G replaced by T.
Protein change: p.Arg2369Leu; replaces arginine 2369 with leucine.
Molecular consequence: missense variant.
Genome position (GRCh38, 1-based): chr19:38,499,713, G>T. VCF-style: chr19-38499713-G-T. GRCh37 (hg19) VCF-style: chr19-38990353-G-T.
Other names: c.7106G>T, p.Arg2369Leu (NM_001042723.2); short protein forms R2369L.
Identifiers: ClinVar variation 4758486 (VCV004758486.1).